The following is an entry in ClinVar:

NM_006922.4(SCN3A):c.4825A>G (p.Met1609Val)

Gene: SCN3A (sodium voltage-gated channel alpha subunit 3; minus strand). Cytogenetic location: 2q24.3.
Variant type: single nucleotide variant.
Coding change: c.4825A>G on transcript NM_006922.4 (MANE Select); coding-DNA position 4825, A replaced by G.
Protein change: p.Met1609Val; replaces methionine 1609 with valine.
Molecular consequence: missense variant.
Genome position (GRCh38, 1-based): chr2:165,091,328, T>C on the plus strand (A>G on the coding strand, the complement: SCN3A is on the minus strand). VCF-style: chr2-165091328-T-C. GRCh37 (hg19) VCF-style: chr2-165947838-T-C.
Other names: c.4678A>G, p.Met1560Val (NM_001081676.2, NM_001081677.2); c.4825A>G (NM_006922.3); short protein forms M1560V, M1609V.
Identifiers: ClinVar variation 995693 (VCV000995693.9), dbSNP rs1685094747, ClinGen allele CA349018481.
Genomic context (GRCh38, chr2:165,091,328, plus strand): 5'-CAATCCTGGCAAGACGGATCACTCGGAACAAGGTAGGGGACACAAAATACTTTTCTATCA[T>C]CTCAGCCAGAAACATACCTATGGAAAACATAGAACACAGCTAAACAGATAATATCTTTCA-3'
Protein context (NP_008853.3, residues 1599-1619): LSIVGMFLAE[Met1609Val]IEKYFVSPTL

ClinVar aggregate classification (germline): Uncertain significance. Review status: criteria provided, multiple submitters, no conflicts (2 of 4 stars). 2 submissions from 2 submitters: Uncertain significance (2). Last evaluated 2025-06-24.

Allele frequency attached by ClinVar (database versions not stated): gnomAD exomes below 0.00001.

Submissions (2):

GeneDx
Classification: Uncertain significance. Last evaluated: 2025-06-24. Review status: criteria provided, single submitter. Criteria: GeneDx Variant Classification Process June 2021. Collection method: clinical testing. Allele origin: germline. Affected: yes.
Comment: Not observed at significant frequency in large population cohorts (gnomAD); In silico analysis suggests that this missense variant does not alter protein structure/function; Has not been previously published as pathogenic or benign to our knowledge

ARUP Laboratories, Molecular Genetics and Genomics, ARUP Laboratories
Classification: Uncertain significance. Last evaluated: 2020-02-28. Review status: criteria provided, single submitter. Criteria: ARUP Molecular Germline Variant Investigation Process. Collection method: clinical testing. Allele origin: germline.